The following is an entry in ClinVar:

NM_000097.7(CPOX):c.88T>G (p.Cys30Gly)

Genes: CPOX (coproporphyrinogen oxidase; minus strand), LOC129937121 (ATAC-STARR-seq lymphoblastoid silent region 14560; plus strand). Cytogenetic location: 3q11.2.
Variant type: single nucleotide variant.
Coding change: c.88T>G on transcript NM_000097.7 (MANE Select); coding-DNA position 88, T replaced by G.
Protein change: p.Cys30Gly; replaces cysteine 30 with glycine.
Molecular consequence: missense variant.
Genome position (GRCh38, 1-based): chr3:98,593,417, A>C on the plus strand (T>G on the coding strand, the complement: CPOX is on the minus strand). VCF-style: chr3-98593417-A-C. GRCh37 (hg19) VCF-style: chr3-98312261-A-C.
Other names: short protein forms C30G.
Identifiers: ClinVar variation 3835962 (VCV003835962.2).

ClinVar aggregate classification (germline): Uncertain significance. Review status: criteria provided, multiple submitters, no conflicts (2 of 4 stars). 2 submissions from 2 submitters: Uncertain significance (2). Last evaluated 2025-10-12.

Conditions:
Inborn genetic diseases. Identifiers: MedGen C0950123, MeSH D030342.

gnomAD v4.1: 8 of 1,454,454 alleles (0.00055%); highest among the groups gnomAD compares: Non-Finnish European, 0.00072%; no homozygotes.

Submissions (2):

Labcorp Genetics (formerly Invitae), Labcorp
Classification: Uncertain significance. Last evaluated: 2025-10-12. Review status: criteria provided, single submitter. Criteria: Invitae Variant Classification Sherloc (09022015). Collection method: clinical testing. Allele origin: germline.
Comment: This sequence change replaces cysteine, which is neutral and slightly polar, with glycine, which is neutral and non-polar, at codon 30 of the CPOX protein (p.Cys30Gly). This variant is not present in population databases (gnomAD no frequency). This variant has not been reported in the literature in individuals affected with CPOX-related conditions. ClinVar contains an entry for this variant (Variation ID: 3835962). An algorithm developed to predict the effect of missense changes on protein structure and function (PolyPhen-2) suggests that this variant is likely to be tolerated. In summary, the available evidence is currently insufficient to determine the role of this variant in disease. Therefore, it has been classified as a Variant of Uncertain Significance.

Ambry Genetics
Classification: Uncertain significance for Inborn genetic diseases. Last evaluated: 2025-01-07. Review status: criteria provided, single submitter. Criteria: Ambry Variant Classification Scheme 2023. Collection method: clinical testing. Allele origin: germline.